The following is an entry in ClinVar:

ClinVar aggregate classification (germline): Likely pathogenic (1 of 4 stars; one submission).

Conditions:
RPGRIP1L-related disorder. Also called: RPGRIP1L-related disorders; RPGRIP1L-related condition. Identifiers: MedGen CN239416.

Submission:

PreventionGenetics, part of Exact Sciences
Classification: Likely pathogenic for RPGRIP1L-related condition. Last evaluated: 2025-05-12. Review status: criteria provided, single submitter. Criteria: ACMG Guidelines, 2015. Collection method: clinical testing. Allele origin: germline.
Comment: The RPGRIP1L c.3624C>A variant is predicted to result in premature protein termination (p.Tyr1208*). To our knowledge, this variant has not been reported in the literature or in a large population database (gnomAD), indicating this variant is rare. Nonsense variants in RPGRIP1L are expected to be pathogenic. This variant is interpreted as likely pathogenic.

NM_015272.5(RPGRIP1L):c.3624C>A (p.Tyr1208Ter)

Gene: RPGRIP1L (RPGRIP1 like; minus strand). Cytogenetic location: 16q12.2.
Variant type: single nucleotide variant.
Coding change: c.3624C>A on transcript NM_015272.5 (MANE Select); coding-DNA position 3624, C replaced by A.
Protein change: p.Tyr1208Ter; replaces tyrosine 1208 with a stop codon.
Molecular consequence: nonsense.
Genome position (GRCh38, 1-based): chr16:53,611,044, G>T on the plus strand (C>A on the coding strand, the complement: RPGRIP1L is on the minus strand). VCF-style: chr16-53611044-G-T. GRCh37 (hg19) VCF-style: chr16-53644956-G-T.
Other names: c.3384C>A, p.Tyr1128Ter (NM_001127897.4); c.3486C>A, p.Tyr1162Ter (NM_001308334.3); c.3522C>A, p.Tyr1174Ter (NM_001330538.2); short protein forms Y1128*, Y1174*, Y1162*, Y1208*.
Identifiers: ClinVar variation 4985941 (VCV004985941.1).